The following is an entry in ClinVar:

NM_000540.3(RYR1):c.6194G>A (p.Ser2065Asn)

Gene: RYR1 (ryanodine receptor 1; plus strand). Cytogenetic location: 19q13.2.
Variant type: single nucleotide variant.
Coding change: c.6194G>A on transcript NM_000540.3 (MANE Select); coding-DNA position 6194, G replaced by A.
Protein change: p.Ser2065Asn; replaces serine 2065 with asparagine.
Molecular consequence: missense variant.
Genome position (GRCh38, 1-based): chr19:38,492,556, G>A. VCF-style: chr19-38492556-G-A. GRCh37 (hg19) VCF-style: chr19-38983196-G-A.
Other names: c.6194G>A, p.Ser2065Asn (NM_001042723.2); short protein forms S2065N.
Identifiers: ClinVar variation 2774218 (VCV002774218.6), dbSNP rs745938673, ClinGen allele CA067882.
Genomic context (GRCh38, chr19:38,492,556, plus strand): 5'-AGCTAGATGGAGAGGAGGAGGAACCAGAGGAAGAGACCACCCTGGGCAGCCGCCTCATGA[G>A]CCTGTTGGAGAAAGTGCGGCTGGTGAAGAAGAAGGAAGAGAAACCTGAGGAGGAGCGGTC-3'
Protein context (NP_000531.2, residues 2055-2075): EETTLGSRLM[Ser2065Asn]LLEKVRLVKK

ClinVar aggregate classification (germline): Uncertain significance. Review status: criteria provided, multiple submitters, no conflicts (2 of 4 stars). 3 submissions from 3 submitters: Uncertain significance (3). Last evaluated 2024-03-06.

Conditions:
RYR1-related disorder. Also called: RYR1-related condition; RYR1-related disorders. Identifiers: MedGen CN239331.
Malignant hyperthermia, susceptibility to, 1 (MHS1). Also called: Malignant hyperthermia suceptibility 1; Anesthesia related hyperthermia; Malignant hyperpyrexia; Fulminating hyperpyrexia; Pharmacogenic myopathy; RYR1-Related Malignant Hyperthermia Susceptibility. Identifiers: Orphanet 423, MedGen C2930980, MONDO:0007783, OMIM 145600.

Allele frequency attached by ClinVar (database versions not stated): gnomAD exomes below 0.00001; TOPMed below 0.00001; ExAC 0.00001.
gnomAD v4.1: 2 of 1,614,144 alleles (0.00012%); highest among the groups gnomAD compares: Non-Finnish European, 0.00017%; no homozygotes.

Submissions (3):

Color Diagnostics, LLC DBA Color Health
Classification: Uncertain significance for Malignant hyperthermia, susceptibility to, 1. Last evaluated: 2024-03-06. Review status: criteria provided, single submitter. Criteria: ACMG Guidelines, 2015. Collection method: clinical testing. Allele origin: germline.
Comment: This missense variant replaces serine with asparagine at codon 2065 of the RYR1 protein. Computational prediction suggests that this variant may not impact protein structure and function (internally defined REVEL score threshold <= 0.5, PMID: 27666373). To our knowledge, functional studies have not been reported for this variant. This variant has not been reported in individuals affected with RYR1-related disorders in the literature. This variant has been identified in 1/251332 chromosomes in the general population by the Genome Aggregation Database (gnomAD). The available evidence is insufficient to determine the role of this variant in disease conclusively. Therefore, this variant is classified as a Variant of Uncertain Significance.

Labcorp Genetics (formerly Invitae), Labcorp
Classification: Uncertain significance for RYR1-related disorder. Last evaluated: 2023-10-13. Review status: criteria provided, single submitter. Criteria: Invitae Variant Classification Sherloc (09022015). Collection method: clinical testing. Allele origin: germline.
Comment: This sequence change replaces serine, which is neutral and polar, with asparagine, which is neutral and polar, at codon 2065 of the RYR1 protein (p.Ser2065Asn). This variant is present in population databases (rs745938673, gnomAD 0.0009%). This variant has not been reported in the literature in individuals affected with RYR1-related conditions. Advanced modeling of protein sequence and biophysical properties (such as structural, functional, and spatial information, amino acid conservation, physicochemical variation, residue mobility, and thermodynamic stability) performed at Invitae indicates that this missense variant is not expected to disrupt RYR1 protein function. In summary, the available evidence is currently insufficient to determine the role of this variant in disease. Therefore, it has been classified as a Variant of Uncertain Significance.

All of Us Research Program, National Institutes of Health
Classification: Uncertain significance for Malignant hyperthermia, susceptibility to, 1. Last evaluated: 2023-06-28. Review status: criteria provided, single submitter. Criteria: ACMG Guidelines, 2015. Collection method: clinical testing. Allele origin: germline. Inheritance: Autosomal dominant inheritance. Observed: 2 variant alleles, 2 heterozygotes.
Comment: This study involves interpretation of variants in research participants for the purpose of population health screening. Participant phenotype was not available at the time of variant classification. Additional details can be found in publication PMID: 35346344, PMCID: PMC8962531